The following is an entry in ClinVar:

ClinVar aggregate classification (germline): Likely benign (1 of 4 stars; one submission).

Submission:

CeGaT Center for Human Genetics Tuebingen
Classification: Likely benign. Last evaluated: 2026-02-01. Review status: criteria provided, single submitter. Criteria: CeGaT Center For Human Genetics Tuebingen Variant Classification Criteria Version 2. Collection method: clinical testing. Allele origin: germline. Affected: yes. Observed: 1 variant allele.
Comment: COL11A2: PM2:Supporting, BP4, BP7

NM_080680.3(COL11A2):c.798+36C>T

Gene: COL11A2 (collagen type XI alpha 2 chain; minus strand). Cytogenetic location: 6p21.32.
Variant type: single nucleotide variant.
Coding change: c.798+36C>T on transcript NM_080680.3 (MANE Select); 36 bases into the intron after coding-DNA position 798, C replaced by T.
Molecular consequence: intron variant. On other transcripts: synonymous variant (1), non-coding transcript variant (1).
Genome position (GRCh38, 1-based): chr6:33,186,591, G>A on the plus strand (C>T on the coding strand, the complement: COL11A2 is on the minus strand). VCF-style: chr6-33186591-G-A. GRCh37 (hg19) VCF-style: chr6-33154368-G-A.
Other names: c.834C>T, p.His278= (NM_001163771.2); c.-49+36C>T (NM_001424111.1, NM_001424110.1, NM_001424109.1); c.798+36C>T (NM_080679.3, NM_080681.3, NM_001424108.1).
Identifiers: ClinVar variation 4823376 (VCV004823376.4).
Genomic context (GRCh38, chr6:33,186,591, plus strand): 5'-AGATGAGGGTGGGGAGGACAACTAAGGAGGAGAGATGCCTGGGTGTCTTCCCTCTCTGGG[G>A]TGTGCTGCACTTGGGGGTTCTCCCAGCTCCCTCACCTGGCTCTGGGGTTCCTGATTTTGT-3'